The following is an entry in ClinVar:

ClinVar aggregate classification (germline): Uncertain significance. Review status: criteria provided, multiple submitters, no conflicts (2 of 4 stars). 2 submissions from 2 submitters: Uncertain significance (2). Last evaluated 2026-08-03.

Conditions:
Kabuki syndrome. Also called: NIIKAWA-KUROKI SYNDROME; Kabuki make-up syndrome. Identifiers: Orphanet 2322, MedGen C0796004, MONDO:0016512.
Inborn genetic diseases. Identifiers: MedGen C0950123, MeSH D030342.

gnomAD v4.1: 1 of 1,611,500 alleles (0.000062%); highest among the groups gnomAD compares: African/African-American, 0.0013%; no homozygotes.

Submissions (2):

Ambry Genetics
Classification: Uncertain significance for Inborn genetic diseases. Last evaluated: 2026-08-03. Review status: criteria provided, single submitter. Criteria: Ambry Variant Classification Scheme 2023. Collection method: clinical testing. Allele origin: germline.

Labcorp Genetics (formerly Invitae), Labcorp
Classification: Uncertain significance for Kabuki syndrome. Last evaluated: 2024-10-16. Review status: criteria provided, single submitter. Criteria: Invitae Variant Classification Sherloc (09022015). Collection method: clinical testing. Allele origin: germline.
Comment: This sequence change replaces proline, which is neutral and non-polar, with serine, which is neutral and polar, at codon 1563 of the KMT2D protein (p.Pro1563Ser). This variant is not present in population databases (gnomAD no frequency). This variant has not been reported in the literature in individuals affected with KMT2D-related conditions. Invitae Evidence Modeling of protein sequence and biophysical properties (such as structural, functional, and spatial information, amino acid conservation, physicochemical variation, residue mobility, and thermodynamic stability) indicates that this missense variant is not expected to disrupt KMT2D protein function with a negative predictive value of 95%. In summary, the available evidence is currently insufficient to determine the role of this variant in disease. Therefore, it has been classified as a Variant of Uncertain Significance.

NM_003482.4(KMT2D):c.4687C>T (p.Pro1563Ser)

Gene: KMT2D (lysine methyltransferase 2D; minus strand). Cytogenetic location: 12q13.12.
Variant type: single nucleotide variant.
Coding change: c.4687C>T on transcript NM_003482.4 (MANE Select); coding-DNA position 4687, C replaced by T.
Protein change: p.Pro1563Ser; replaces proline 1563 with serine.
Molecular consequence: missense variant.
Genome position (GRCh38, 1-based): chr12:49,046,071, G>A on the plus strand (C>T on the coding strand, the complement: KMT2D is on the minus strand). VCF-style: chr12-49046071-G-A. GRCh37 (hg19) VCF-style: chr12-49439854-G-A.
Other names: short protein forms P1563S.
Identifiers: ClinVar variation 3634075 (VCV003634075.3).